The following is an entry in ClinVar:

NM_000301.5(PLG):c.973C>T (p.Arg325Cys)

Gene: PLG (plasminogen; plus strand). Cytogenetic location: 6q26.
Variant type: single nucleotide variant.
Coding change: c.973C>T on transcript NM_000301.5 (MANE Select); coding-DNA position 973, C replaced by T.
Protein change: p.Arg325Cys; replaces arginine 325 with cysteine.
Molecular consequence: missense variant.
Genome position (GRCh38, 1-based): chr6:160,718,715, C>T. VCF-style: chr6-160718715-C-T. GRCh37 (hg19) VCF-style: chr6-161139747-C-T.
Other names: short protein forms R325C.
Identifiers: ClinVar variation 4762412 (VCV004762412.1).

ClinVar aggregate classification (germline): Uncertain significance (1 of 4 stars; one submission).

gnomAD v4.1: 1 of 1,613,932 alleles (0.000062%); highest among the groups gnomAD compares: Non-Finnish European, 0.000085%; no homozygotes.

Submission:

Labcorp Genetics (formerly Invitae), Labcorp
Classification: Uncertain significance. Last evaluated: 2025-10-20. Review status: criteria provided, single submitter. Criteria: Invitae Variant Classification Sherloc (09022015). Collection method: clinical testing. Allele origin: germline.
Comment: This sequence change replaces arginine, which is basic and polar, with cysteine, which is neutral and slightly polar, at codon 325 of the PLG protein (p.Arg325Cys). This variant is not present in population databases (gnomAD no frequency). This variant has not been reported in the literature in individuals affected with PLG-related conditions. Invitae Evidence Modeling of protein sequence and biophysical properties (such as structural, functional, and spatial information, amino acid conservation, physicochemical variation, residue mobility, and thermodynamic stability) indicates that this missense variant is not expected to disrupt PLG protein function with a negative predictive value of 80%. In summary, the available evidence is currently insufficient to determine the role of this variant in disease. Therefore, it has been classified as a Variant of Uncertain Significance.